The following is an entry in ClinVar:

NM_024312.5(GNPTAB):c.3525G>T (p.Met1175Ile)

Gene: GNPTAB (N-acetylglucosamine-1-phosphate transferase subunits alpha and beta; minus strand). Cytogenetic location: 12q23.2.
Variant type: single nucleotide variant.
Coding change: c.3525G>T on transcript NM_024312.5 (MANE Select); coding-DNA position 3525, G replaced by T.
Protein change: p.Met1175Ile; replaces methionine 1175 with isoleucine.
Molecular consequence: missense variant.
Genome position (GRCh38, 1-based): chr12:101,753,449, C>A on the plus strand (G>T on the coding strand, the complement: GNPTAB is on the minus strand). VCF-style: chr12-101753449-C-A. GRCh37 (hg19) VCF-style: chr12-102147227-C-A.
Other names: c.3525G>T (NM_024312.4); short protein forms M1175I.
Identifiers: ClinVar variation 1199321 (VCV001199321.8), dbSNP rs772131427, ClinGen allele CA6746126.

ClinVar aggregate classification (germline): Uncertain significance. Review status: criteria provided, multiple submitters, no conflicts (2 of 4 stars). 5 submissions from 4 submitters: Uncertain significance (5). Last evaluated 2025-10-02.

Conditions:
Mucolipidosis type II. Also called: Mucolipidosis 2; ML 2; Inclusion cell disease; Leroy Disease; N-acetylglucosamine 1phosphotransferase deficiency; ML disorder type 2. Identifiers: Orphanet 576, MedGen C2673377, MONDO:0009650, OMIM 252500.
Pseudo-Hurler polydystrophy. Also called: ML IIIA; Mucolipidosis III Alpha/Beta; Type III Mucolipidosis; ML III; ML III ALPHA/BETA; MUCOLIPIDOSIS IIIA. Identifiers: Orphanet 423461, Orphanet 577, MedGen C0033788, MONDO:0018931, OMIM 252600.
Inborn genetic diseases. Identifiers: MedGen C0950123, MeSH D030342.

Allele frequency attached by ClinVar (database versions not stated): ExAC 0.00001; gnomAD exomes 0.00001.

Submissions (5):

Labcorp Genetics (formerly Invitae), Labcorp
Classification: Uncertain significance for Pseudo-Hurler polydystrophy; Mucolipidosis type II. Last evaluated: 2025-10-02. Review status: criteria provided, single submitter. Criteria: Invitae Variant Classification Sherloc (09022015). Collection method: clinical testing. Allele origin: germline.
Comment: This sequence change replaces methionine, which is neutral and non-polar, with isoleucine, which is neutral and non-polar, at codon 1175 of the GNPTAB protein (p.Met1175Ile). This variant is present in population databases (rs772131427, gnomAD 0.003%). This variant has not been reported in the literature in individuals affected with GNPTAB-related conditions. ClinVar contains an entry for this variant (Variation ID: 1199321). Invitae Evidence Modeling of protein sequence and biophysical properties (such as structural, functional, and spatial information, amino acid conservation, physicochemical variation, residue mobility, and thermodynamic stability) indicates that this missense variant is not expected to disrupt GNPTAB protein function with a negative predictive value of 80%. In summary, the available evidence is currently insufficient to determine the role of this variant in disease. Therefore, it has been classified as a Variant of Uncertain Significance.

Blueprint Genetics
Classification: Uncertain significance. Last evaluated: 2022-12-30. Review status: criteria provided, single submitter. Criteria: ACMG Guidelines, 2015. Collection method: clinical testing. Allele origin: germline.

Ambry Genetics
Classification: Uncertain significance for Inborn genetic diseases. Last evaluated: 2021-09-16. Review status: criteria provided, single submitter. Criteria: Ambry Variant Classification Scheme 2023. Collection method: clinical testing. Allele origin: germline.

Genome-Nilou Lab
Classification: Uncertain significance for Mucolipidosis type II. Last evaluated: 2021-07-14. Review status: criteria provided, single submitter. Criteria: ACMG Guidelines, 2015. Collection method: clinical testing. Allele origin: germline. Affected: no.

Genome-Nilou Lab
Classification: Uncertain significance for Pseudo-Hurler polydystrophy. Last evaluated: 2021-07-14. Review status: criteria provided, single submitter. Criteria: ACMG Guidelines, 2015. Collection method: clinical testing. Allele origin: germline. Affected: no.